The following is an entry in ClinVar:

NM_001009944.3(PKD1):c.9786C>T (p.Ile3262=)

Gene: PKD1 (polycystin 1, transient receptor potential channel interacting; minus strand). Cytogenetic location: 16p13.3.
Variant type: single nucleotide variant.
Coding change: c.9786C>T on transcript NM_001009944.3 (MANE Select); coding-DNA position 9786, C replaced by T.
Protein change: p.Ile3262=; no amino-acid change (isoleucine 3262 retained).
Molecular consequence: synonymous variant.
Genome position (GRCh38, 1-based): chr16:2,099,998, G>A on the plus strand (C>T on the coding strand, the complement: PKD1 is on the minus strand). VCF-style: chr16-2099998-G-A. GRCh37 (hg19) VCF-style: chr16-2149999-G-A.
Other names: p.Ile3262=; c.9786C>T, p.Ile3262= (NM_000296.4).
Identifiers: ClinVar variation 4684046 (VCV004684046.3).

ClinVar aggregate classification (germline): Likely benign. Review status: criteria provided, multiple submitters, no conflicts (2 of 4 stars). 3 submissions from 3 submitters: Likely benign (3). Last evaluated 2026-08-04.

Conditions:
PKD1-related disorder. Also called: PKD1-related condition.

gnomAD v4.1: 127 of 1,568,046 alleles (0.0081%); highest among the groups gnomAD compares: African/African-American, 0.053%; no homozygotes.

Submissions (3):

PreventionGenetics, part of Exact Sciences
Classification: Likely benign for PKD1-related condition. Last evaluated: 2026-08-04. Review status: criteria provided, single submitter. Criteria: ACMG Guidelines, 2015. Collection method: clinical testing. Allele origin: germline.
Comment: This variant is classified as likely benign based on ACMG/AMP sequence variant interpretation guidelines (Richards et al. 2015 PMID: 25741868, with internal and published modifications).

Mayo Clinic Laboratories, Mayo Clinic
Classification: Likely benign. Last evaluated: 2025-09-25. Review status: criteria provided, single submitter. Criteria: ACMG Guidelines, 2015. Collection method: clinical testing. Allele origin: germline. Observed: 2 variant alleles.
Comment: BS1, BP4, BP7

Blueprint Genetics
Classification: Likely benign. Last evaluated: 2024-10-29. Review status: criteria provided, single submitter. Criteria: ACMG Guidelines, 2015. Collection method: clinical testing. Allele origin: germline.